The following is an entry in ClinVar:

ClinVar aggregate classification (germline): Uncertain significance. Review status: criteria provided, multiple submitters, no conflicts (2 of 4 stars). 2 submissions from 2 submitters: Uncertain significance (2). Last evaluated 2025-03-19.

Conditions:
Tuberous sclerosis 1 (TSC1). Identifiers: Orphanet 805, MedGen C1854465, MONDO:0008612, OMIM 191100.
Hereditary cancer-predisposing syndrome. Also called: Neoplastic Syndromes, Hereditary; Hereditary Cancer Syndrome; Hereditary neoplastic syndrome; Tumor predisposition. Identifiers: Orphanet 140162, MedGen C0027672, MeSH D009386, MONDO:0015356.

gnomAD v4.1: 1 of 1,613,590 alleles (0.000062%); highest among the groups gnomAD compares: Admixed American, 0.0017%; no homozygotes.

Submissions (2):

Labcorp Genetics (formerly Invitae), Labcorp
Classification: Uncertain significance for Tuberous sclerosis 1. Last evaluated: 2025-03-19. Review status: criteria provided, single submitter. Criteria: Invitae Variant Classification Sherloc (09022015). Collection method: clinical testing. Allele origin: germline.
Comment: This sequence change replaces glycine, which is neutral and non-polar, with arginine, which is basic and polar, at codon 999 of the TSC1 protein (p.Gly999Arg). This variant is present in population databases (rs780224196, gnomAD 0.003%). This variant has not been reported in the literature in individuals affected with TSC1-related conditions. ClinVar contains an entry for this variant (Variation ID: 643313). Invitae Evidence Modeling of protein sequence and biophysical properties (such as structural, functional, and spatial information, amino acid conservation, physicochemical variation, residue mobility, and thermodynamic stability) indicates that this missense variant is not expected to disrupt TSC1 protein function with a negative predictive value of 95%. In summary, the available evidence is currently insufficient to determine the role of this variant in disease. Therefore, it has been classified as a Variant of Uncertain Significance.

Ambry Genetics
Classification: Uncertain significance for Hereditary cancer-predisposing syndrome. Last evaluated: 2024-04-27. Review status: criteria provided, single submitter. Criteria: Ambry Variant Classification Scheme 2023. Collection method: clinical testing. Allele origin: germline.
Comment: The p.G999R variant (also known as c.2995G>C), located in coding exon 21 of the TSC1 gene, results from a G to C substitution at nucleotide position 2995. The glycine at codon 999 is replaced by arginine, an amino acid with dissimilar properties. This amino acid position is conserved. In addition, the in silico prediction for this alteration is inconclusive. Since supporting evidence is limited at this time, the clinical significance of this alteration remains unclear.

NM_000368.5(TSC1):c.2995G>C (p.Gly999Arg)

Gene: TSC1 (TSC complex subunit 1; minus strand). Cytogenetic location: 9q34.13.
Variant type: single nucleotide variant.
Coding change: c.2995G>C on transcript NM_000368.5 (MANE Select); coding-DNA position 2995, G replaced by C.
Protein change: p.Gly999Arg; replaces glycine 999 with arginine.
Molecular consequence: missense variant.
Genome position (GRCh38, 1-based): chr9:132,896,735, C>G on the plus strand (G>C on the coding strand, the complement: TSC1 is on the minus strand). VCF-style: chr9-132896735-C-G. GRCh37 (hg19) VCF-style: chr9-135772122-C-G.
Other names: c.2992G>C, p.Gly998Arg (NM_001162426.2); c.2842G>C, p.Gly948Arg (NM_001162427.2); c.2632G>C, p.Gly878Arg (NM_001362177.2); short protein forms G948R, G999R, G878R, G998R.
Identifiers: ClinVar variation 643313 (VCV000643313.12), dbSNP rs780224196, ClinGen allele CA035511.